The following is an entry in ClinVar:

NM_005188.4(CBL):c.248A>G (p.Tyr83Cys)

Gene: CBL (Cbl proto-oncogene; plus strand). Cytogenetic location: 11q23.3.
Variant type: single nucleotide variant.
Coding change: c.248A>G on transcript NM_005188.4 (MANE Select); coding-DNA position 248, A replaced by G.
Protein change: p.Tyr83Cys; replaces tyrosine 83 with cysteine.
Molecular consequence: missense variant.
Genome position (GRCh38, 1-based): chr11:119,232,500, A>G. VCF-style: chr11-119232500-A-G. GRCh37 (hg19) VCF-style: chr11-119103210-A-G.
Other names: c.248A>G (NM_005188.2); short protein forms Y83C.
Identifiers: ClinVar variation 543970 (VCV000543970.9), dbSNP rs1555226659, ClinGen allele CA382894360.
Genomic context (GRCh38, chr11:119,232,500, plus strand): 5'-TGTTGCAGGTGGTGCGGTTGTGTCAGAACCCAAAGCTGGCGCTAAAGAATAGCCCACCTT[A>G]TATCTTAGACCTGCTACCAGATACCTACCAGCATCTCCGTACTATCTTGTCAAGATATGA-3'
Protein context (NP_005179.2, residues 73-93): PKLALKNSPP[Tyr83Cys]ILDLLPDTYQ

ClinVar aggregate classification (germline): Uncertain significance. Review status: criteria provided, multiple submitters, no conflicts (2 of 4 stars). 2 submissions from 2 submitters: Uncertain significance (2). Last evaluated 2025-05-11.

Conditions:
Cardiovascular phenotype. Identifiers: MedGen CN230736.
RASopathy. Also called: Noonan spectrum disorder; rasopathies. Identifiers: Orphanet 536391, MedGen C5555857, MONDO:0021060.

Allele frequency attached by ClinVar (database versions not stated): TOPMed below 0.00001; gnomAD exomes below 0.00001.
gnomAD v4.1: 5 of 1,614,082 alleles (0.00031%); highest among the groups gnomAD compares: Non-Finnish European, 0.00042%; no homozygotes.

Submissions (2):

Ambry Genetics
Classification: Uncertain significance for Cardiovascular phenotype. Last evaluated: 2025-05-11. Review status: criteria provided, single submitter. Criteria: Ambry Variant Classification Scheme 2023. Collection method: clinical testing. Allele origin: germline.
Comment: The p.Y83C variant (also known as c.248A>G), located in coding exon 2 of the CBL gene, results from an A to G substitution at nucleotide position 248. The tyrosine at codon 83 is replaced by cysteine, an amino acid with highly dissimilar properties. This amino acid position is conserved. In addition, this alteration is predicted to be deleterious by in silico analysis. Based on the available evidence, the clinical significance of this variant remains unclear.

Labcorp Genetics (formerly Invitae), Labcorp
Classification: Uncertain significance for RASopathy. Last evaluated: 2017-08-26. Review status: criteria provided, single submitter. Criteria: Invitae Variant Classification Sherloc (09022015). Collection method: clinical testing. Allele origin: germline.
Comment: Algorithms developed to predict the effect of missense changes on protein structure and function (SIFT, PolyPhen-2, Align-GVGD) all suggest that this variant is likely to be disruptive, but these predictions have not been confirmed by published functional studies and their clinical significance is uncertain. This variant has not been reported in the literature in individuals with CBL-related disease. This variant is not present in population databases (ExAC no frequency). This sequence change replaces tyrosine with cysteine at codon 83 of the CBL protein (p.Tyr83Cys). The tyrosine residue is highly conserved and there is a large physicochemical difference between tyrosine and cysteine. In summary, the available evidence is currently insufficient to determine the role of this variant in disease. Therefore, it has been classified as a Variant of Uncertain Significance.